The following is an entry in ClinVar:

NM_024809.5(TCTN2):c.1337G>A (p.Arg446Gln)

Gene: TCTN2 (tectonic family member 2; plus strand). Cytogenetic location: 12q24.31.
Variant type: single nucleotide variant.
Coding change: c.1337G>A on transcript NM_024809.5 (MANE Select); coding-DNA position 1337, G replaced by A.
Protein change: p.Arg446Gln; replaces arginine 446 with glutamine.
Molecular consequence: missense variant.
Genome position (GRCh38, 1-based): chr12:123,696,439, G>A. VCF-style: chr12-123696439-G-A. GRCh37 (hg19) VCF-style: chr12-124180986-G-A.
Other names: c.1334G>A, p.Arg445Gln (NM_001143850.3); short protein forms R446Q, R445Q.
Identifiers: ClinVar variation 1423598 (VCV001423598.5), dbSNP rs781699024, ClinGen allele CA6861182.

ClinVar aggregate classification (germline): Uncertain significance (1 of 4 stars; one submission).

Conditions:
Joubert syndrome. Also called: CEREBELLOPARENCHYMAL DISORDER IV; JOUBERT-BOLTSHAUSER SYNDROME; Familial aplasia of the vermis. Identifiers: Orphanet 475, MedGen C5979921, MONDO:0018772.
Meckel-Gruber syndrome. Also called: DYSENCEPHALIA SPLANCHNOCYSTICA; GRUBER SYNDROME; Dysencephalia splachnocystica. Identifiers: Orphanet 564, MedGen C0265215, MONDO:0018921.

Allele frequency attached by ClinVar (database versions not stated): gnomAD exomes 0.00001 and 0.00003; ExAC 0.00002; TOPMed 0.00002; gnomAD 0.00003 and 0.00004.
gnomAD v4.1: 23 of 1,613,948 alleles (0.0014%); highest among the groups gnomAD compares: East Asian, 0.011%; no homozygotes.

Submission:

Labcorp Genetics (formerly Invitae), Labcorp
Classification: Uncertain significance for Joubert syndrome; Meckel-Gruber syndrome. Last evaluated: 2024-03-04. Review status: criteria provided, single submitter. Criteria: Invitae Variant Classification Sherloc (09022015). Collection method: clinical testing. Allele origin: germline.
Comment: This sequence change replaces arginine, which is basic and polar, with glutamine, which is neutral and polar, at codon 446 of the TCTN2 protein (p.Arg446Gln). This variant is present in population databases (rs781699024, gnomAD 0.02%). This variant has not been reported in the literature in individuals affected with TCTN2-related conditions. ClinVar contains an entry for this variant (Variation ID: 1423598). Advanced modeling of protein sequence and biophysical properties (such as structural, functional, and spatial information, amino acid conservation, physicochemical variation, residue mobility, and thermodynamic stability) performed at Invitae indicates that this missense variant is expected to disrupt TCTN2 protein function with a positive predictive value of 80%. In summary, the available evidence is currently insufficient to determine the role of this variant in disease. Therefore, it has been classified as a Variant of Uncertain Significance.